The following is an entry in ClinVar:

ClinVar aggregate classification (germline): Uncertain significance (1 of 4 stars; one submission).

Allele frequency attached by ClinVar (database versions not stated): gnomAD exomes below 0.00001; TOPMed below 0.00001.
gnomAD v4.1: 1 of 1,613,852 alleles (0.000062%); highest among the groups gnomAD compares: African/African-American, 0.0013%; no homozygotes.

Submission:

Labcorp Genetics (formerly Invitae), Labcorp
Classification: Uncertain significance. Last evaluated: 2022-08-09. Review status: criteria provided, single submitter. Criteria: Invitae Variant Classification Sherloc (09022015). Collection method: clinical testing. Allele origin: germline.
Comment: This variant has not been reported in the literature in individuals affected with RDH5-related conditions. This sequence change replaces threonine, which is neutral and polar, with isoleucine, which is neutral and non-polar, at codon 78 of the RDH5 protein (p.Thr78Ile). This variant is not present in population databases (gnomAD no frequency). Algorithms developed to predict the effect of missense changes on protein structure and function are either unavailable or do not agree on the potential impact of this missense change (SIFT: "Deleterious"; PolyPhen-2: "Benign"; Align-GVGD: "Class C0"). In summary, the available evidence is currently insufficient to determine the role of this variant in disease. Therefore, it has been classified as a Variant of Uncertain Significance.

NM_002905.5(RDH5):c.233C>T (p.Thr78Ile)

Genes: BLOC1S1-RDH5 (BLOC1S1-RDH5 readthrough; plus strand), RDH5 (retinol dehydrogenase 5; plus strand). Cytogenetic location: 12q13.2.
Variant type: single nucleotide variant.
Coding change: c.233C>T on transcript NM_002905.5 (MANE Select); coding-DNA position 233, C replaced by T.
Protein change: p.Thr78Ile; replaces threonine 78 with isoleucine.
Molecular consequence: missense variant.
Genome position (GRCh38, 1-based): chr12:55,721,417, C>T. VCF-style: chr12-55721417-C-T. GRCh37 (hg19) VCF-style: chr12-56115201-C-T.
Other names: c.233C>T, p.Thr78Ile (NM_001199771.3); short protein forms T78I.
Identifiers: ClinVar variation 2111655 (VCV002111655.4), dbSNP rs1876912236, ClinGen allele CA385200079.